The following is an entry in ClinVar:

ClinVar aggregate classification (germline): Uncertain significance (1 of 4 stars; one submission).

Conditions:
Autosomal dominant limb-girdle muscular dystrophy type 1F (LGMDD2). Also called: Limb-girdle muscular dystrophy, type 1F; MUSCULAR DYSTROPHY, LIMB-GIRDLE, AUTOSOMAL DOMINANT 2. Identifiers: Orphanet 55595, MedGen C1842062, MONDO:0012034, OMIM 608423.

Submission:

Baylor Genetics
Classification: Uncertain significance for Autosomal dominant limb-girdle muscular dystrophy type 1F. Last evaluated: 2018-02-21. Review status: criteria provided, single submitter. Criteria: ACMG Guidelines, 2015. Collection method: clinical testing. Allele origin: de novo. Affected: yes.
Comment: This variant was determined to be of uncertain significance according to ACMG Guidelines, 2015 [PMID:25741868].

NM_012470.4(TNPO3):c.1611C>A (p.His537Gln)

Gene: TNPO3 (transportin 3; minus strand). Cytogenetic location: 7q32.1.
Variant type: single nucleotide variant.
Coding change: c.1611C>A on transcript NM_012470.4 (MANE Select); coding-DNA position 1611, C replaced by A.
Protein change: p.His537Gln; replaces histidine 537 with glutamine.
Molecular consequence: missense variant. On other transcripts: non-coding transcript variant (18), intron variant (2).
Genome position (GRCh38, 1-based): chr7:128,986,808, G>T on the plus strand (C>A on the coding strand, the complement: TNPO3 is on the minus strand). VCF-style: chr7-128986808-G-T. GRCh37 (hg19) VCF-style: chr7-128626862-G-T.
Other names: c.1713C>A, p.His571Gln (NM_001382216.1); c.1692C>A, p.His564Gln (NM_001382217.1); c.1611C>A, p.His537Gln (NM_001382218.1, NM_001382220.1); c.1503C>A, p.His501Gln (NM_001382219.1); c.1467C>A, p.His489Gln (NM_001382221.1); c.1464C>A, p.His488Gln (NM_001382222.1); c.1499-2549C>A (NM_001382223.1, NM_001191028.3); short protein forms H488Q, H501Q, H571Q, H489Q, H564Q, H537Q.
Identifiers: ClinVar variation 1034406 (VCV001034406.1), dbSNP rs762458456, ClinGen allele CA369226305.